The following is an entry in ClinVar:

NM_053025.4(MYLK):c.5041G>A (p.Asp1681Asn)

Genes: MYLK (myosin light chain kinase; minus strand), MYLK-AS1 (MYLK antisense RNA 1; plus strand), LOC126806791 (MED14-independent group 3 enhancer GRCh37_chr3:123347871-123349070; plus strand). Cytogenetic location: 3q21.1.
Variant type: single nucleotide variant.
Coding change: c.5041G>A on transcript NM_053025.4 (MANE Select); coding-DNA position 5041, G replaced by A.
Protein change: p.Asp1681Asn; replaces aspartic acid 1681 with asparagine.
Molecular consequence: missense variant. On other transcripts: non-coding transcript variant (2), intron variant (2).
Genome position (GRCh38, 1-based): chr3:123,629,547, C>T on the plus strand (G>A on the coding strand, the complement: MYLK is on the minus strand). VCF-style: chr3-123629547-C-T. GRCh37 (hg19) VCF-style: chr3-123348394-C-T.
Other names: c.4513G>A, p.Asp1505Asn (NM_001321309.2); c.4834G>A, p.Asp1612Asn (NM_053026.4); c.4755-2606G>A (NM_053028.4); c.4962-2606G>A (NM_053027.4); short protein forms D1505N, D1681N, D1612N.
Identifiers: ClinVar variation 1744955 (VCV001744955.3), dbSNP rs150392984, ClinGen allele CA072426.
Genomic context (GRCh38, chr3:123,629,547, plus strand): 5'-TCAGCAGATTGCTGATGAAATCCTTGGCATCGTCGGAGATCTCATCGAATGCCTCGTCGT[C>T]GAAGTCCCAGGTGGCTGAGGTAACGTTGGCCAAGGTTTCGTTATCGTTGTCTCCCATGAA-3'
Protein context (NP_444253.3, residues 1671-1691): ANVTSATWDF[Asp1681Asn]DEAFDEISDD

ClinVar aggregate classification (germline): Uncertain significance (1 of 4 stars; one submission).

Conditions:
Familial thoracic aortic aneurysm and aortic dissection (TAAD). Also called: Thoracic aortic aneurysms and dissections. Identifiers: Orphanet 91387, MedGen C4707243, MONDO:0019625.

Allele frequency attached by ClinVar (database versions not stated): ESP Exome Variant Server 0.00015.
gnomAD v4.1: 15 of 1,614,076 alleles (0.00093%); highest among the groups gnomAD compares: South Asian, 0.0066%; no homozygotes.

Submission:

Ambry Genetics
Classification: Uncertain significance for Familial thoracic aortic aneurysm and aortic dissection. Last evaluated: 2024-09-24. Review status: criteria provided, single submitter. Criteria: Ambry Variant Classification Scheme 2023. Collection method: clinical testing. Allele origin: germline.
Comment: The p.D1681N variant (also known as c.5041G>A), located in coding exon 27 of the MYLK gene, results from a G to A substitution at nucleotide position 5041. The aspartic acid at codon 1681 is replaced by asparagine, an amino acid with highly similar properties. This amino acid position is conserved. In addition, this alteration is predicted to be tolerated by in silico analysis. Since supporting evidence is limited at this time, the clinical significance of this alteration remains unclear.